The following is an entry in ClinVar:

NM_017780.4(CHD7):c.7831-2A>G

Gene: CHD7 (chromodomain helicase DNA binding protein 7; plus strand). Cytogenetic location: 8q12.2.
Variant type: single nucleotide variant.
Coding change: c.7831-2A>G on transcript NM_017780.4 (MANE Select); the canonical splice acceptor site of the intron before coding-DNA position 7831, A replaced by G.
Molecular consequence: splice acceptor variant. On other transcripts: intron variant (1).
Genome position (GRCh38, 1-based): chr8:60,862,194, A>G. VCF-style: chr8-60862194-A-G. GRCh37 (hg19) VCF-style: chr8-61774753-A-G.
Other names: c.1717-35A>G (NM_001316690.1).
Identifiers: ClinVar variation 3382203 (VCV003382203.2).

ClinVar aggregate classification (germline): Uncertain significance (1 of 4 stars; one submission).

Conditions:
CHARGE syndrome (CHARGE). Also called: Hittner Hirsch Kreh syndrome; CHARGE ASSOCIATION--COLOBOMA, HEART ANOMALY, CHOANAL ATRESIA, RETARDATION, GENITAL AND EAR ANOMALIES; Coloboma, heart anomaly, choanal atresia, retardation, genital and ear anomalies; CHARGE association; Hall-Hittner syndrome. Identifiers: Orphanet 138, MedGen C0265354, MONDO:0008965.
Hypogonadotropic hypogonadism 5 with or without anosmia (KAL5). Also called: CHD7-Related GnRH Deficiency (Kallmann Syndrome 5); HYPOGONADOTROPIC HYPOGONADISM 5 WITH ANOSMIA; HYPOGONADOTROPHIC HYPOGONADISM 5 WITHOUT ANOSMIA. Identifiers: Orphanet 478, MedGen C3552553, MONDO:0012880, OMIM 612370. Disease mechanism: loss of function.

Submission:

Juno Genomics, Hangzhou Juno Genomics, Inc
Classification: Uncertain significance for CHD7-related CHARGE syndrome; Hypogonadotropic hypogonadism 5 with or without anosmia. Review status: criteria provided, single submitter. Criteria: ACMG Guidelines, 2015. Collection method: clinical testing. Allele origin: germline. Affected: yes.
Comment: Absent from controls (or at extremely low frequency if recessive) in Genome Aggregation Database, Exome Sequencing Project, 1000 Genomes Project, or Exome Aggregation Consortium.;Null variant in a gene where loss of function (LOF) is a known mechanism of disease.